The following is an entry in ClinVar:

NM_000303.3(PMM2):c.617del (p.Phe206fs)

Gene: PMM2 (phosphomannomutase 2; plus strand). Cytogenetic location: 16p13.2.
Variant type: Deletion.
Coding change: c.617del on transcript NM_000303.3 (MANE Select); coding-DNA position 617, one base deleted (T; older notation c.617delT).
Protein change: p.Phe206fs; shifts the reading frame from phenylalanine 206.
Molecular consequence: frameshift variant.
Genome position (GRCh38, 1-based): chr16:8,813,084, T deleted; the last of 3 consecutive T bases (chr16:8,813,082-8,813,084); deleting any one gives the same sequence. VCF-style (leftmost placement, unchanged base first): chr16-8813081-AT-A. GRCh37 (hg19) VCF-style: chr16-8906938-AT-A.
Other names: c.617del (NM_000303.2); short protein forms F206fs.
Identifiers: ClinVar variation 551959 (VCV000551959.6), dbSNP rs1555449810, ClinGen allele CA658823866.

ClinVar aggregate classification (germline): Pathogenic/Likely pathogenic. Review status: criteria provided, multiple submitters, no conflicts (2 of 4 stars). 3 submissions from 3 submitters: Pathogenic (1); Likely pathogenic (1). 1 of the submissions does not count toward it. Last evaluated 2025-07-27.

Conditions:
PMM2-congenital disorder of glycosylation. Also called: JAEKEN SYNDROME; Congenital disorder of glycosylation, type Ia; PHOSPHOMANNOMUTASE 2 DEFICIENCY; CARBOHYDRATE-DEFICIENT GLYCOPROTEIN SYNDROME, TYPE Ia; CDG Ia; PMM2-CDG. Identifiers: Orphanet 79318, MedGen C0349653, MONDO:0008907, OMIM 212065.

Submissions (3):

Labcorp Genetics (formerly Invitae), Labcorp
Classification: Pathogenic for PMM2-congenital disorder of glycosylation. Last evaluated: 2025-07-27. Review status: criteria provided, single submitter. Criteria: Invitae Variant Classification Sherloc (09022015). Collection method: clinical testing. Allele origin: germline.
Comment: This sequence change creates a premature translational stop signal (p.Phe206Serfs*26) in the PMM2 gene. While this is not anticipated to result in nonsense mediated decay, it is expected to disrupt the last 41 amino acid(s) of the PMM2 protein. This variant is not present in population databases (gnomAD no frequency). This variant has not been reported in the literature in individuals affected with PMM2-related conditions. ClinVar contains an entry for this variant (Variation ID: 551959). This variant disrupts a region of the PMM2 protein in which other variant(s) (p.Leu243Pro) have been determined to be pathogenic (internal data). This suggests that this is a clinically significant region of the protein, and that variants that disrupt it are likely to be disease-causing. For these reasons, this variant has been classified as Pathogenic.

Natera, Inc.
Classification: Likely pathogenic for Congenital disorder of glycosylation type 1a. Last evaluated: 2024-10-03. Review status: criteria provided, single submitter. Criteria: Natera Variant Classification Schema (03/2026). Collection method: clinical testing. Allele origin: germline.
Comment: The c.617del variant in PMM2 is a frameshift variant predicted to shift the reading frame beginning at codon 206 and leads to a stop codon 26 codons downstream. This variant is expected to result in nonsense mediated decay, truncation, or a dysfunctional protein product. This variant is rare in the general population with a frequency below the threshold expected for the associated phenotype(s). Given the available evidence, this variant is classified as Likely Pathogenic.

Counsyl
Classification: Uncertain significance for PMM2-congenital disorder of glycosylation. Last evaluated: 2017-05-17. Review status: no assertion criteria provided. Collection method: clinical testing. Allele origin: unknown. Not counted in ClinVar's aggregate classification.